The following is an entry in ClinVar:

NM_015338.6(ASXL1):c.4018C>T (p.Pro1340Ser)

Gene: ASXL1 (ASXL transcriptional regulator 1; plus strand). Cytogenetic location: 20q11.21.
Variant type: single nucleotide variant.
Coding change: c.4018C>T on transcript NM_015338.6 (MANE Select); coding-DNA position 4018, C replaced by T.
Protein change: p.Pro1340Ser; replaces proline 1340 with serine.
Molecular consequence: missense variant.
Genome position (GRCh38, 1-based): chr20:32,436,730, C>T. VCF-style: chr20-32436730-C-T. GRCh37 (hg19) VCF-style: chr20-31024533-C-T.
Other names: c.3835C>T, p.Pro1279Ser (NM_001363734.1); short protein forms P1340S, P1279S.
Identifiers: ClinVar variation 3792762 (VCV003792762.1).

ClinVar aggregate classification (germline): Uncertain significance (1 of 4 stars; one submission).

Conditions:
Inborn genetic diseases. Identifiers: MedGen C0950123, MeSH D030342.

Submission:

Ambry Genetics
Classification: Uncertain significance for Inborn genetic diseases. Last evaluated: 2025-01-25. Review status: criteria provided, single submitter. Criteria: Ambry Variant Classification Scheme 2023. Collection method: clinical testing. Allele origin: germline.
Comment: The p.P1340S variant (also known as c.4018C>T), located in coding exon 13 of the ASXL1 gene, results from a C to T substitution at nucleotide position 4018. The proline at codon 1340 is replaced by serine, an amino acid with similar properties. This amino acid position is conserved. In addition, this alteration is predicted to be tolerated by in silico analysis. Based on the available evidence, the clinical significance of this variant remains unclear.